The following is an entry in ClinVar:

NM_016356.5(DCDC2):c.293+27C>A

Genes: DCDC2 (doublecortin domain containing 2; minus strand), KAAG1 (kidney associated DCDC2 antisense RNA 1; plus strand). Cytogenetic location: 6p22.3.
Variant type: single nucleotide variant.
Coding change: c.293+27C>A on transcript NM_016356.5 (MANE Select); 27 bases into the intron after coding-DNA position 293, C replaced by A.
Molecular consequence: intron variant. On other transcripts: non-coding transcript variant (1).
Genome position (GRCh38, 1-based): chr6:24,357,431, G>T on the plus strand (C>A on the coding strand, the complement: DCDC2 is on the minus strand). VCF-style: chr6-24357431-G-T. GRCh37 (hg19) VCF-style: chr6-24357659-G-T.
Other names: p.?; c.293+27C>A (NM_001195610.2).
Identifiers: ClinVar variation 4684904 (VCV004684904.1).

ClinVar aggregate classification (germline): Benign (1 of 4 stars; one submission).

gnomAD v4.1: 3,044 of 1,571,076 alleles (0.19%); highest among the groups gnomAD compares: African/African-American, 2.4%; 25 homozygotes.

Submission:

Mayo Clinic Laboratories, Mayo Clinic
Classification: Benign. Last evaluated: 2022-02-09. Review status: criteria provided, single submitter. Criteria: ACMG Guidelines, 2015. Collection method: clinical testing. Allele origin: germline. Observed: 6 variant alleles.
Comment: BA1, BP4